The following is an entry in ClinVar:

NM_199420.4(POLQ):c.2699C>T (p.Pro900Leu)

Gene: POLQ (DNA polymerase theta; minus strand). Cytogenetic location: 3q13.33.
Variant type: single nucleotide variant.
Coding change: c.2699C>T on transcript NM_199420.4 (MANE Select); coding-DNA position 2699, C replaced by T.
Protein change: p.Pro900Leu; replaces proline 900 with leucine.
Molecular consequence: missense variant.
Genome position (GRCh38, 1-based): chr3:121,490,232, G>A on the plus strand (C>T on the coding strand, the complement: POLQ is on the minus strand). VCF-style: chr3-121490232-G-A. GRCh37 (hg19) VCF-style: chr3-121209079-G-A.
Other names: short protein forms P900L.
Identifiers: ClinVar variation 2563895 (VCV002563895.2), dbSNP rs2546788372, ClinGen allele CA354105114.
Genomic context (GRCh38, chr3:121,490,232, plus strand): 5'-TCCTTTACTTCGGACTCACTATGAGTCAATGAGCATGTACTAGAATGTAACAGGGCACAT[G>A]GATTCCATTGCACTCCCATTTCAACTAAGTCCTGCTGCAGAATCATTCTGGCTTCTTCCA-3'
Protein context (NP_955452.3, residues 890-910): DLVEMGVQWN[Pro900Leu]CALLHSSTCS

ClinVar aggregate classification (germline): Uncertain significance (1 of 4 stars; one submission).

Submission:

Ambry Genetics
Classification: Uncertain significance. Last evaluated: 2023-06-10. Review status: criteria provided, single submitter. Criteria: Ambry Variant Classification Scheme 2023. Collection method: clinical testing. Allele origin: germline.
Comment: The p.P900L variant (also known as c.2699C>T), located in coding exon 16 of the POLQ gene, results from a C to T substitution at nucleotide position 2699. The proline at codon 900 is replaced by leucine, an amino acid with similar properties. This amino acid position is conserved. In addition, this alteration is predicted to be tolerated by in silico analysis. Since supporting evidence is limited at this time, the clinical significance of this alteration remains unclear.